The following is an entry in ClinVar:

NM_000038.6(APC):c.3925_3926del (p.Glu1309fs)

Gene: APC (APC regulator of Wnt signaling pathway; plus strand). Cytogenetic location: 5q22.2.
Variant type: Deletion.
Coding change: c.3925_3926del on transcript NM_000038.6 (MANE Select); coding-DNA positions 3925 to 3926, 2 bases deleted (GA; older notation c.3925_3926delGA).
Protein change: p.Glu1309fs; shifts the reading frame from glutamic acid 1309.
Molecular consequence: frameshift variant.
Genome position (GRCh38, 1-based): chr5:112,839,519-112,839,520, GA deleted; deleting any 2 consecutive bases within chr5:112,839,518-112,839,520 gives the same sequence; the c. name uses the placement nearest the transcript's 3' end. VCF-style (leftmost placement, unchanged base first): chr5-112839517-AAG-A. GRCh37 (hg19) VCF-style: chr5-112175214-AAG-A.
Other names: c.3925_3926del, p.Glu1309fs (NM_001127510.3, NM_001354895.2); c.3871_3872del, p.Glu1291fs (NM_001127511.3); c.3979_3980del, p.Glu1327fs (NM_001354896.2); c.3955_3956del, p.Glu1319fs (NM_001354897.2); c.3850_3851del, p.Glu1284fs (NM_001354898.2); c.3841_3842del, p.Glu1281fs (NM_001354899.2); c.3802_3803del, p.Glu1268fs (NM_001354900.2); c.3748_3749del, p.Glu1250fs (NM_001354901.2); and 16 more; short protein forms E1149fs, E1183fs, E1208fs, E1268fs, E1281fs, E1309fs, E1327fs, E1026fs.
Identifiers: ClinVar variation 1736223 (VCV001736223.3), dbSNP rs2533534960, ClinGen allele CA645543655.

ClinVar aggregate classification (germline): Pathogenic. Review status: criteria provided, multiple submitters, no conflicts (2 of 4 stars). 2 submissions from 2 submitters: Pathogenic (2). Last evaluated 2025-09-15.

Conditions:
Hereditary cancer-predisposing syndrome. Also called: Neoplastic Syndromes, Hereditary; Tumor predisposition; Hereditary Cancer Syndrome; Hereditary neoplastic syndrome. Identifiers: Orphanet 140162, MedGen C0027672, MeSH D009386, MONDO:0015356.
Familial multiple polyposis syndrome (FAP). Also called: Familial polyposis; Familial adenomatous polyposis; Familial intestinal polyposis; Familial Adenomatous Polyposis (FAP); Classic familial adenomatous polyposis. Identifiers: Orphanet 733, MedGen C0032580, MONDO:0021055. Disease mechanism: loss of function.

Submissions (2):

Institute of Medical Genetics and Applied Genomics, University Hospital Tübingen
Classification: Pathogenic for Familial multiple polyposis syndrome. Last evaluated: 2025-09-15. Review status: criteria provided, single submitter. Criteria: ACMG Guidelines, 2015. Collection method: clinical testing. Allele origin: germline. Inheritance: Autosomal dominant inheritance. Affected: yes.

Ambry Genetics
Classification: Pathogenic for Hereditary cancer-predisposing syndrome. Last evaluated: 2015-01-14. Review status: criteria provided, single submitter. Criteria: Ambry Variant Classification Scheme 2023. Collection method: clinical testing. Allele origin: germline.
Comment: The c.3925_3926delGA pathogenic mutation, located in coding exon 15 of the APC gene, results from a deletion of two nucleotides between nucleotide positions 3925 and 3926, causing a translational frameshift with a predicted alternate stop codon. In addition to the clinical data presented in the literature, since frameshifts are typically deleterious in nature, this alteration is interpreted as a disease-causing mutation (ACMG Recommendations for Standards for Interpretation and Reporting of Sequence Variations. Revision 2007. Genet Med. 2008;10:294).

Literature cited by the submitters: PubMed 17604324 (cited by Ambry Genetics).